The following is an entry in ClinVar:

NM_016156.6(MTMR2):c.871G>A (p.Val291Met)

Gene: MTMR2 (myotubularin related protein 2; minus strand). Cytogenetic location: 11q21.
Variant type: single nucleotide variant.
Coding change: c.871G>A on transcript NM_016156.6 (MANE Select); coding-DNA position 871, G replaced by A.
Protein change: p.Val291Met; replaces valine 291 with methionine.
Molecular consequence: missense variant.
Genome position (GRCh38, 1-based): chr11:95,849,796, C>T on the plus strand (G>A on the coding strand, the complement: MTMR2 is on the minus strand). VCF-style: chr11-95849796-C-T. GRCh37 (hg19) VCF-style: chr11-95582960-C-T.
Other names: c.655G>A, p.Val219Met (NM_001243571.2, NM_201278.3, NM_201281.3); short protein forms V219M, V291M.
Identifiers: ClinVar variation 2198571 (VCV002198571.4), dbSNP rs370955430, ClinGen allele CA226602170.

ClinVar aggregate classification (germline): Uncertain significance (1 of 4 stars; one submission).

Conditions:
Charcot-Marie-Tooth disease type 4. Also called: Charcot-Marie-Tooth disease, type IV; Charcot-Marie-Tooth, Type 4. Identifiers: Orphanet 64749, MedGen C4082197, MONDO:0018995.

Allele frequency attached by ClinVar (database versions not stated): gnomAD 0.00002; TOPMed 0.00002; ESP Exome Variant Server 0.00008.
gnomAD v4.1: 13 of 1,614,064 alleles (0.00081%); highest among the groups gnomAD compares: African/African-American, 0.0067%; no homozygotes.

Submission:

Labcorp Genetics (formerly Invitae), Labcorp
Classification: Uncertain significance for Charcot-Marie-Tooth disease type 4. Last evaluated: 2022-07-21. Review status: criteria provided, single submitter. Criteria: Invitae Variant Classification Sherloc (09022015). Collection method: clinical testing. Allele origin: germline.
Comment: In summary, the available evidence is currently insufficient to determine the role of this variant in disease. Therefore, it has been classified as a Variant of Uncertain Significance. Algorithms developed to predict the effect of missense changes on protein structure and function are either unavailable or do not agree on the potential impact of this missense change (SIFT: "Deleterious"; PolyPhen-2: "Benign"; Align-GVGD: "Class C0"). This variant has not been reported in the literature in individuals affected with MTMR2-related conditions. This variant is not present in population databases (gnomAD no frequency). This sequence change replaces valine, which is neutral and non-polar, with methionine, which is neutral and non-polar, at codon 291 of the MTMR2 protein (p.Val291Met).